The following is an entry in ClinVar:

ClinVar aggregate classification (germline): Pathogenic (1 of 4 stars; one submission).

Conditions:
Mosaic variegated aneuploidy syndrome 1 (MVA1). Also called: Warburton-Anyane-Yeboa syndrome. Identifiers: Orphanet 1052, MedGen C1850343, MONDO:0009759, OMIM 257300.

Submission:

Labcorp Genetics (formerly Invitae), Labcorp
Classification: Pathogenic for Mosaic variegated aneuploidy syndrome 1. Last evaluated: 2021-11-04. Review status: criteria provided, single submitter. Criteria: Invitae Variant Classification Sherloc (09022015). Collection method: clinical testing. Allele origin: germline.
Comment: This sequence change creates a premature translational stop signal (p.Gly491Tyrfs*4) in the BUB1B gene. It is expected to result in an absent or disrupted protein product. Loss-of-function variants in BUB1B are known to be pathogenic (PMID: 15475955, 21190457). For these reasons, this variant has been classified as Pathogenic. This variant has not been reported in the literature in individuals affected with BUB1B-related conditions. This variant is not present in population databases (gnomAD no frequency).

Literature cited by the submitters: PubMed 15475955; PubMed 21190457.

NM_001211.6(BUB1B):c.1466_1470dup (p.Gly491fs)

Gene: BUB1B (BUB1 mitotic checkpoint serine/threonine kinase B; plus strand). Cytogenetic location: 15q15.1.
Variant type: Duplication.
Coding change: c.1466_1470dup on transcript NM_001211.6 (MANE Select); coding-DNA positions 1466 to 1470, 5 bases duplicated (TACCA; older notation c.1466_1470dupTACCA).
Protein change: p.Gly491fs; shifts the reading frame from glycine 491.
Molecular consequence: frameshift variant.
Genome position (GRCh38, 1-based): chr15:40,200,308-40,200,312, TACCA duplicated; duplicating any 5 consecutive bases within chr15:40,200,307-40,200,312 gives the same sequence; the c. name uses the placement nearest the transcript's 3' end. VCF-style (leftmost placement, unchanged base first): chr15-40200306-A-AATACC. GRCh37 (hg19) VCF-style: chr15-40492507-A-AATACC.
Other names: short protein forms G491fs.
Identifiers: ClinVar variation 1405980 (VCV001405980.6), dbSNP rs2140900652, ClinGen allele CA2573150681.